The following is an entry in ClinVar:

NM_000059.4(BRCA2):c.1982del (p.Ser661fs)

Gene: BRCA2 (BRCA2 DNA repair associated; plus strand). Cytogenetic location: 13q13.1.
Variant type: Deletion.
Coding change: c.1982del on transcript NM_000059.4 (MANE Select); coding-DNA position 1982, one base deleted (G; older notation c.1982delG).
Protein change: p.Ser661fs; shifts the reading frame from serine 661.
Molecular consequence: frameshift variant.
Genome position (GRCh38, 1-based): chr13:32,336,337, G deleted. VCF-style (leftmost placement, unchanged base first): chr13-32336336-AG-A. GRCh37 (hg19) VCF-style: chr13-32910473-AG-A.
Other names: c.1982delG (NM_000059.3); short protein forms S661fs.
Identifiers: ClinVar variation 409532 (VCV000409532.11), dbSNP rs1060502455, ClinGen allele CA16614116.

ClinVar aggregate classification (germline): Pathogenic. Review status: reviewed by expert panel (3 of 4 stars). 2 submissions from 2 submitters: Pathogenic (1). 1 of the submissions does not count toward it. Last evaluated 2017-12-15.

Conditions:
Hereditary breast ovarian cancer syndrome. Also called: Hereditary breast and ovarian cancer syndrome; Hereditary breast and/or ovarian cancer syndrome; BRCA1- and BRCA2-Associated Hereditary Breast and Ovarian Cancer; Hereditary breast and ovarian cancer syndrome (HBOC); Hereditary breast and ovarian cancer; Breast and ovarian cancer. Identifiers: Orphanet 145, MedGen C0677776, MeSH D061325, MONDO:0003582. Disease mechanism: loss of function.
Breast-ovarian cancer, familial, susceptibility to, 2 (BROVCA2). Also called: BRCA2 Hereditary Breast and Ovarian Cancer. Identifiers: Orphanet 145, MedGen C2675520, MONDO:0012933, OMIM 612555. Disease mechanism: loss of function.

Submissions (2):

Evidence-based Network for the Interpretation of Germline Mutant Alleles (ENIGMA)
Classification: Pathogenic for Breast-ovarian cancer, familial, susceptibility to, 2. Last evaluated: 2017-12-15. Review status: reviewed by expert panel. Criteria: ENIGMA BRCA1/2 Classification Criteria (2017-06-29). Collection method: curation. Allele origin: germline. Study: ENIGMA.
Comment: Variant allele predicted to encode a truncated non-functional protein.

Labcorp Genetics (formerly Invitae), Labcorp
Classification: Pathogenic for Hereditary breast ovarian cancer syndrome. Last evaluated: 2016-08-30. Review status: criteria provided, single submitter. Criteria: Invitae Variant Classification Sherloc (09022015). Collection method: clinical testing. Allele origin: germline. Not counted in ClinVar's aggregate classification.
Comment: For these reasons, this variant has been classified as Pathogenic. While this particular variant has not been reported in the literature, loss-of-function variants in BRCA2 are known to be pathogenic (PMID: 20104584). This sequence change deletes 1 nucleotide from exon 11 of the BRCA2 mRNA (c.1982delG), causing a frameshift at codon 661. This creates a premature translational stop signal (p.Ser661Thrfs*7) and is expected to result in an absent or disrupted protein product.

Literature cited by the submitters: PubMed 20104584 (cited by Labcorp Genetics (formerly Invitae), Labcorp).